The following is an entry in ClinVar:

NM_000179.3(MSH6):c.3109T>C (p.Phe1037Leu)

Gene: MSH6 (mutS homolog 6; plus strand). Cytogenetic location: 2p16.3.
Variant type: single nucleotide variant.
Coding change: c.3109T>C on transcript NM_000179.3 (MANE Select); coding-DNA position 3109, T replaced by C.
Protein change: p.Phe1037Leu; replaces phenylalanine 1037 with leucine.
Molecular consequence: missense variant.
Genome position (GRCh38, 1-based): chr2:47,801,092, T>C. VCF-style: chr2-47801092-T-C. GRCh37 (hg19) VCF-style: chr2-48028231-T-C.
Other names: c.2719T>C, p.Phe907Leu (NM_001281492.2); c.2203T>C, p.Phe735Leu (NM_001281493.2, NM_001281494.2); short protein forms F1037L, F735L, F907L.
Identifiers: ClinVar variation 1020779 (VCV001020779.9), dbSNP rs1669550051, ClinGen allele CA346756610.

ClinVar aggregate classification (germline): Uncertain significance (1 of 4 stars; one submission).

Conditions:
Hereditary nonpolyposis colorectal neoplasms. Identifiers: MedGen C0009405, MeSH D003123.

Allele frequency attached by ClinVar (database versions not stated): TOPMed below 0.00001.

Submission:

Labcorp Genetics (formerly Invitae), Labcorp
Classification: Uncertain significance for Hereditary nonpolyposis colorectal neoplasms. Last evaluated: 2020-06-15. Review status: criteria provided, single submitter. Criteria: Invitae Variant Classification Sherloc (09022015). Collection method: clinical testing. Allele origin: germline.
Comment: In summary, the available evidence is currently insufficient to determine the role of this variant in disease. Therefore, it has been classified as a Variant of Uncertain Significance. Algorithms developed to predict the effect of missense changes on protein structure and function are either unavailable or do not agree on the potential impact of this missense change (SIFT: "Deleterious"; PolyPhen-2: "Probably Damaging"; Align-GVGD: "Class C15"). This variant has not been reported in the literature in individuals with MSH6-related conditions. This variant is not present in population databases (ExAC no frequency). This sequence change replaces phenylalanine with leucine at codon 1037 of the MSH6 protein (p.Phe1037Leu). The phenylalanine residue is highly conserved and there is a small physicochemical difference between phenylalanine and leucine.